The following is an entry in ClinVar:

NM_001134363.3(RBM20):c.3296G>T (p.Cys1099Phe)

Gene: RBM20 (RNA binding motif protein 20; plus strand). Cytogenetic location: 10q25.2.
Variant type: single nucleotide variant.
Coding change: c.3296G>T on transcript NM_001134363.3 (MANE Select); coding-DNA position 3296, G replaced by T.
Protein change: p.Cys1099Phe; replaces cysteine 1099 with phenylalanine.
Molecular consequence: missense variant.
Genome position (GRCh38, 1-based): chr10:110,821,915, G>T. VCF-style: chr10-110821915-G-T. GRCh37 (hg19) VCF-style: chr10-112581673-G-T.
Other names: short protein forms C1099F.
Identifiers: ClinVar variation 2127893 (VCV002127893.4), dbSNP rs2493495764, ClinGen allele CA378382610.

ClinVar aggregate classification (germline): Uncertain significance (1 of 4 stars; one submission).

Conditions:
Dilated cardiomyopathy 1DD (CMD1DD). Identifiers: Orphanet 154, MedGen C2750995, MONDO:0013168, OMIM 613172.

Submission:

Labcorp Genetics (formerly Invitae), Labcorp
Classification: Uncertain significance for Dilated cardiomyopathy 1DD. Last evaluated: 2022-04-19. Review status: criteria provided, single submitter. Criteria: Invitae Variant Classification Sherloc (09022015). Collection method: clinical testing. Allele origin: germline.
Comment: In summary, the available evidence is currently insufficient to determine the role of this variant in disease. Therefore, it has been classified as a Variant of Uncertain Significance. Advanced modeling of protein sequence and biophysical properties (such as structural, functional, and spatial information, amino acid conservation, physicochemical variation, residue mobility, and thermodynamic stability) performed at Invitae indicates that this missense variant is not expected to disrupt RBM20 protein function. This variant has not been reported in the literature in individuals affected with RBM20-related conditions. This variant is not present in population databases (gnomAD no frequency). This sequence change replaces cysteine, which is neutral and slightly polar, with phenylalanine, which is neutral and non-polar, at codon 1099 of the RBM20 protein (p.Cys1099Phe).